The following is an entry in ClinVar:

ClinVar aggregate classification (germline): Uncertain significance (1 of 4 stars; one submission).

Conditions:
Hereditary cancer-predisposing syndrome. Also called: Tumor predisposition; Neoplastic Syndromes, Hereditary; Hereditary neoplastic syndrome; Hereditary Cancer Syndrome. Identifiers: Orphanet 140162, MedGen C0027672, MeSH D009386, MONDO:0015356.

Submission:

Ambry Genetics
Classification: Uncertain significance for Hereditary cancer-predisposing syndrome. Last evaluated: 2025-08-27. Review status: criteria provided, single submitter. Criteria: Ambry Variant Classification Scheme 2023. Collection method: clinical testing. Allele origin: germline.
Comment: The p.S326R variant (also known as c.978T>G), located in coding exon 11 of the MUTYH gene, results from a T to G substitution at nucleotide position 978. The serine at codon 326 is replaced by arginine, an amino acid with dissimilar properties. This amino acid position is conserved. In addition, this alteration is predicted to be tolerated by in silico analysis. Based on the available evidence, the clinical significance of this variant remains unclear.

NM_001048174.2(MUTYH):c.894T>G (p.Ser298Arg)

Gene: MUTYH (mutY DNA glycosylase; minus strand). Cytogenetic location: 1p34.1.
Variant type: single nucleotide variant.
Coding change: c.894T>G on transcript NM_001048174.2 (MANE Select); coding-DNA position 894, T replaced by G.
Protein change: p.Ser298Arg; replaces serine 298 with arginine.
Molecular consequence: missense variant. On other transcripts: non-coding transcript variant (7).
Genome position (GRCh38, 1-based): chr1:45,332,042, A>C on the plus strand (T>G on the coding strand, the complement: MUTYH is on the minus strand). VCF-style: chr1-45332042-A-C. GRCh37 (hg19) VCF-style: chr1-45797714-A-C.
Other names: c.894T>G, p.Ser298Arg (NM_001048171.2, NM_001048173.2, NM_001293195.2 and 6 more transcripts); c.897T>G, p.Ser299Arg (NM_001048172.2, NM_001407078.1, NM_001407086.1 and 1 more transcripts); c.978T>G, p.Ser326Arg (NM_001128425.2); c.939T>G, p.Ser313Arg (NM_001293190.2); c.927T>G, p.Ser309Arg (NM_001293191.2, NM_001407077.1, NM_001407069.1); c.618T>G, p.Ser206Arg (NM_001293192.2, NM_001293196.2, NM_001407091.1); c.855T>G, p.Ser285Arg (NM_001407079.1); c.852T>G, p.Ser284Arg (NM_001407080.1); and 5 more; short protein forms S183R, S206R, S298R, S270R, S285R, S305R, S284R, S299R.
Identifiers: ClinVar variation 4112794 (VCV004112794.1).
Genomic context (GRCh38, chr1:45,332,042, plus strand): 5'-GGCCAGGAAGGGTTGGGGTGGGGGCTAGGTTTGGTGCTCACCACACTCCTCCACGTCAGG[A>C]CTGCCCGACAGGCTCCCTGAGGCTAAGAGCTGTTCCTGCTCCACCTGAGAGGCACAGGGT-3'
Protein context (NP_001041639.1, residues 288-308): QLLASGSLSG[Ser298Arg]PDVEECAPNT